The following is an entry in ClinVar:

NM_001267550.2(TTN):c.104125C>T (p.Arg34709Cys)

Genes: TTN (titin; minus strand), TTN-AS1 (TTN antisense RNA 1; plus strand). Cytogenetic location: 2q31.2.
Variant type: single nucleotide variant.
Coding change: c.104125C>T on transcript NM_001267550.2 (MANE Select); coding-DNA position 104125, C replaced by T.
Protein change: p.Arg34709Cys; replaces arginine 34709 with cysteine.
Molecular consequence: missense variant.
Genome position (GRCh38, 1-based): chr2:178,532,490, G>A on the plus strand (C>T on the coding strand, the complement: TTN is on the minus strand). VCF-style: chr2-178532490-G-A. GRCh37 (hg19) VCF-style: chr2-179397217-G-A.
Other names: c.99202C>T, p.Arg33068Cys (NM_001256850.1); c.76930C>T, p.Arg25644Cys (NM_003319.4); c.96421C>T, p.Arg32141Cys (NM_133378.4); c.77305C>T, p.Arg25769Cys (NM_133432.3); c.77506C>T, p.Arg25836Cys (NM_133437.4); c.104125C>T (NM_001267550.1); short protein forms R34709C, R25644C, R32141C, R25836C, R33068C, R25769C.
Identifiers: ClinVar variation 404669 (VCV000404669.19), dbSNP rs530959653, ClinGen allele CA1985480.

ClinVar aggregate classification (germline): Conflicting classifications of pathogenicity. Review status: criteria provided, conflicting classifications (1 of 4 stars). 6 submissions from 6 submitters: Uncertain significance (5); Likely benign (1). Last evaluated 2026-02-03.

Conditions:
Dilated cardiomyopathy 1G (CMD1G). Identifiers: Orphanet 154, MedGen C1858763, MONDO:0011400, OMIM 604145.
Autosomal recessive limb-girdle muscular dystrophy type 2J (LGMDR10). Also called: Limb-girdle muscular dystrophy, type 2J; MUSCULAR DYSTROPHY, LIMB-GIRDLE, AUTOSOMAL RECESSIVE 10. Identifiers: Orphanet 140922, MedGen C1837342, MONDO:0012127, OMIM 608807.
Primary familial hypertrophic cardiomyopathy (HCM). Identifiers: Orphanet 99739, MedGen C0949658, MeSH D024741, MONDO:0024573. Inheritance: Various modes of inheritance.
Cardiovascular phenotype. Identifiers: MedGen CN230736.

Allele frequency attached by ClinVar (database versions not stated): ExAC 0.00002; gnomAD exomes 0.00002 and 0.00003; TOPMed 0.00005; gnomAD 0.00006.
gnomAD v4.1: 39 of 1,613,958 alleles (0.0024%); highest among the groups gnomAD compares: African/African-American, 0.012%; no homozygotes.

Submissions (6):

Labcorp Genetics (formerly Invitae), Labcorp
Classification: Uncertain significance for Dilated cardiomyopathy 1G; Autosomal recessive limb-girdle muscular dystrophy type 2J. Last evaluated: 2026-02-03. Review status: criteria provided, single submitter. Criteria: Invitae Variant Classification Sherloc (09022015). Collection method: clinical testing. Allele origin: germline.
Comment: This sequence change replaces arginine, which is basic and polar, with cysteine, which is neutral and slightly polar, at codon 34709 of the TTN protein (p.Arg34709Cys). This variant is present in population databases (rs530959653, gnomAD 0.008%). This variant has not been reported in the literature in individuals affected with TTN-related conditions. ClinVar contains an entry for this variant (Variation ID: 404669). Experimental studies and prediction algorithms are not available or were not evaluated, and the functional significance of this variant is currently unknown. This variant is located in the M band of TTN (PMID: 25589632). Non-truncating variants in this region may be relevant for neuromuscular disorders, but have not been definitively shown to cause cardiomyopathy (PMID: 23975875). In summary, the available evidence is currently insufficient to determine the role of this variant in disease. Therefore, it has been classified as a Variant of Uncertain Significance.

Petrovsky National Research Centre of Surgery, The Federal Agency for Scientific Organizations
Classification: Uncertain significance for Primary familial hypertrophic cardiomyopathy. Last evaluated: 2025-10-28. Review status: criteria provided, single submitter. Criteria: ACMG Guidelines, 2015. Collection method: research. Allele origin: unknown. Inheritance: Autosomal dominant inheritance. Affected: yes. Observed: 1 heterozygote.
Comment: Clinvar (VCV000404669.18) contains 5 entries for variant NM_001267550.2:c.104125C>T (p.Arg34709Cys). The variant is described in the literature in 1 patient with hypertrophic cardiomyopathy. NM_001267550.2:c.104125C>T (p.Arg34709Cys) is in the Genome Aggregation Database (gnomAD) v4.1.0 with total MAF=0.00002416 (Date of access 28-10-2025). REVEL score =0.443 is inconclusive. In accordance with ACMG (2015) criteria this variant is classified as Variant of Uncertain Significance (VUS) with following criteria selected: PM2.

Athena Diagnostics
Classification: Uncertain significance. Last evaluated: 2022-09-02. Review status: criteria provided, single submitter. Criteria: Athena Diagnostics Criteria. Collection method: clinical testing. Allele origin: unknown.

Revvity Omics, Revvity
Classification: Uncertain significance. Last evaluated: 2021-07-21. Review status: criteria provided, single submitter. Criteria: ACMG Guidelines, 2015. Collection method: clinical testing. Allele origin: germline.

GeneDx
Classification: Likely benign. Last evaluated: 2021-04-07. Review status: criteria provided, single submitter. Criteria: GeneDx Variant Classification Process June 2021. Collection method: clinical testing. Allele origin: germline. Affected: yes.
Comment: Has not been previously published as pathogenic or benign to our knowledge

Ambry Genetics
Classification: Uncertain significance for Cardiovascular phenotype. Last evaluated: 2017-07-12. Review status: criteria provided, single submitter. Criteria: Ambry Variant Classification Scheme 2023. Collection method: clinical testing. Allele origin: germline.
Comment: The p.R25644C variant (also known as c.76930C>T), located in coding exon 185 of the TTN gene, results from a C to T substitution at nucleotide position 76930. The arginine at codon 25644 is replaced by cysteine, an amino acid with highly dissimilar properties. This amino acid position is highly conserved in available vertebrate species. In addition, this alteration is predicted to be possibly damaging and to have low/neutral functional impact by PolyPhen and Mutation Assessor in silico analyses, respectively (Reva B et al. Genome Biol. 2007;8(11):R232). Since supporting evidence is limited at this time, the clinical significance of this alteration remains unclear.

Literature cited by the submitters: PubMed 25589632 (cited by Labcorp Genetics (formerly Invitae), Labcorp); PubMed 23975875 (cited by Labcorp Genetics (formerly Invitae), Labcorp).